The following is an entry in ClinVar:

NM_005104.4(BRD2):c.1705G>A (p.Ala569Thr)

Gene: BRD2 (bromodomain containing 2; plus strand). Cytogenetic location: 6p21.32.
Variant type: single nucleotide variant.
Coding change: c.1705G>A on transcript NM_005104.4 (MANE Select); coding-DNA position 1705, G replaced by A.
Protein change: p.Ala569Thr; replaces alanine 569 with threonine.
Molecular consequence: missense variant.
Genome position (GRCh38, 1-based): chr6:32,978,252, G>A. VCF-style: chr6-32978252-G-A. GRCh37 (hg19) VCF-style: chr6-32946029-G-A.
Other names: c.1705G>A, p.Ala569Thr (NM_001199455.1, NM_001113182.3); c.1564G>A, p.Ala522Thr (NM_001199456.2); c.1345G>A, p.Ala449Thr (NM_001291986.2); c.1564G>A (NM_001199456.1); short protein forms A522T, A569T, A449T.
Identifiers: ClinVar variation 715423 (VCV000715423.6), dbSNP rs34530779, ClinGen allele CA3748656.

ClinVar aggregate classification (germline): Benign. Review status: criteria provided, single submitter (1 of 4 stars). 2 submissions from 2 submitters: Benign (1). 1 of the submissions does not count toward it. Last evaluated 2019-12-31.

Conditions:
BRD2-related disorder. Also called: BRD2-related condition.

Allele frequency attached by ClinVar (database versions not stated): gnomAD exomes 0.00412 and 0.00468; ExAC 0.00504; gnomAD 0.00584 and 0.00593; TOPMed 0.00610; 1000 Genomes Project 0.00639; 1000 Genomes Project 30x 0.00671; ESP Exome Variant Server 0.00687.

Submissions (2):

Labcorp Genetics (formerly Invitae), Labcorp
Classification: Benign. Last evaluated: 2019-12-31. Review status: criteria provided, single submitter. Criteria: Invitae Variant Classification Sherloc (09022015). Collection method: clinical testing. Allele origin: germline.

PreventionGenetics, part of Exact Sciences
Classification: Benign for BRD2-related condition. Last evaluated: 2019-08-14. Review status: no assertion criteria provided. Collection method: clinical testing. Allele origin: germline. Not counted in ClinVar's aggregate classification.
Comment: This variant is classified as benign based on ACMG/AMP sequence variant interpretation guidelines (Richards et al. 2015 PMID: 25741868, with internal and published modifications).